The following is an entry in ClinVar:

ClinVar aggregate classification (germline): Uncertain significance (1 of 4 stars; one submission).

Conditions:
Hereditary cancer-predisposing syndrome. Also called: Hereditary Cancer Syndrome; Neoplastic Syndromes, Hereditary; Tumor predisposition; Hereditary neoplastic syndrome. Identifiers: Orphanet 140162, MedGen C0027672, MeSH D009386, MONDO:0015356.

Allele frequency attached by ClinVar (database versions not stated): TOPMed below 0.00001.

Submission:

Ambry Genetics
Classification: Uncertain significance for Hereditary cancer-predisposing syndrome. Last evaluated: 2021-09-11. Review status: criteria provided, single submitter. Criteria: Ambry Variant Classification Scheme 2023. Collection method: clinical testing. Allele origin: germline.
Comment: The p.A166G variant (also known as c.497C>G), located in coding exon 5 of the BMPR1A gene, results from a C to G substitution at nucleotide position 497. The alanine at codon 166 is replaced by glycine, an amino acid with similar properties. This amino acid position is well conserved in available vertebrate species. In addition, this alteration is predicted to be tolerated by in silico analysis. Since supporting evidence is limited at this time, the clinical significance of this alteration remains unclear.

NM_004329.3(BMPR1A):c.497C>G (p.Ala166Gly)

Gene: BMPR1A (bone morphogenetic protein receptor type 1A; plus strand). Cytogenetic location: 10q23.2.
Variant type: single nucleotide variant.
Coding change: c.497C>G on transcript NM_004329.3 (MANE Select); coding-DNA position 497, C replaced by G.
Protein change: p.Ala166Gly; replaces alanine 166 with glycine.
Molecular consequence: missense variant.
Genome position (GRCh38, 1-based): chr10:86,900,093, C>G. VCF-style: chr10-86900093-C-G. GRCh37 (hg19) VCF-style: chr10-88659850-C-G.
Other names: c.497C>G, p.Ala166Gly (NM_001406559.1, NM_001406560.1, NM_001406561.1 and 22 more transcripts); c.413C>G, p.Ala138Gly (NM_001406584.1, NM_001406585.1, NM_001406586.1 and 2 more transcripts); short protein forms A138G, A166G.
Identifiers: ClinVar variation 1744518 (VCV001744518.2), dbSNP rs1843287627, ClinGen allele CA377450551.